The following is an entry in ClinVar:

ClinVar aggregate classification (germline): Uncertain significance (1 of 4 stars; one submission).

Allele frequency attached by ClinVar (database versions not stated): gnomAD exomes below 0.00001; ExAC 0.00001; gnomAD 0.00001.
gnomAD v4.1: 2 of 1,613,998 alleles (0.00012%); highest among the groups gnomAD compares: East Asian, 0.0022%; no homozygotes.

Submission:

Labcorp Genetics (formerly Invitae), Labcorp
Classification: Uncertain significance. Last evaluated: 2020-10-29. Review status: criteria provided, single submitter. Criteria: Invitae Variant Classification Sherloc (09022015). Collection method: clinical testing. Allele origin: germline.
Comment: In summary, the available evidence is currently insufficient to determine the role of this variant in disease. Therefore, it has been classified as a Variant of Uncertain Significance. This sequence change replaces glutamine with histidine at codon 883 of the KIDINS220 protein (p.Gln883His). The glutamine residue is highly conserved and there is a small physicochemical difference between glutamine and histidine. This variant is present in population databases (rs775451553, ExAC 0.01%). This variant has not been reported in the literature in individuals with KIDINS220-related conditions. Algorithms developed to predict the effect of missense changes on protein structure and function are either unavailable or do not agree on the potential impact of this missense change (SIFT: "Tolerated"; PolyPhen-2: "Probably Damaging"; Align-GVGD: "Class C0").

NM_020738.4(KIDINS220):c.2649G>T (p.Gln883His)

Gene: KIDINS220 (kinase D interacting substrate 220; minus strand). Cytogenetic location: 2p25.1.
Variant type: single nucleotide variant.
Coding change: c.2649G>T on transcript NM_020738.4 (MANE Select); coding-DNA position 2649, G replaced by T.
Protein change: p.Gln883His; replaces glutamine 883 with histidine.
Molecular consequence: missense variant. On other transcripts: non-coding transcript variant (2).
Genome position (GRCh38, 1-based): chr2:8,778,693, C>A on the plus strand (G>T on the coding strand, the complement: KIDINS220 is on the minus strand). VCF-style: chr2-8778693-C-A. GRCh37 (hg19) VCF-style: chr2-8918823-C-A.
Other names: c.2652G>T, p.Gln884His (NM_001348729.2, NM_001348731.2, NM_001348734.2 and 3 more transcripts); c.2649G>T, p.Gln883His (NM_001348732.2, NM_001348735.2, NM_001348738.2 and 3 more transcripts); c.2523G>T, p.Gln841His (NM_001348736.2); short protein forms Q841H, Q883H, Q884H.
Identifiers: ClinVar variation 1006580 (VCV001006580.8), dbSNP rs775451553, ClinGen allele CA1519923.